The following is an entry in ClinVar:

ClinVar aggregate classification (germline): Likely pathogenic (1 of 4 stars; one submission).

Conditions:
Spongy degeneration of central nervous system. Also called: ACY2 DEFICIENCY; AMINOACYLASE 2 DEFICIENCY; ASP DEFICIENCY; ASPA DEFICIENCY; ASPARTOACYLASE DEFICIENCY; CANAVAN-VAN BOGAERT-BERTRAND DISEASE. Identifiers: Orphanet 141, MedGen C0206307, MONDO:0010079, OMIM 271900.

Allele frequency attached by ClinVar (database versions not stated): gnomAD exomes below 0.00001.
gnomAD v4.1: 1 of 1,614,234 alleles (0.000062%); highest among the groups gnomAD compares: Non-Finnish European, 0.000085%; no homozygotes.

Submission:

Labcorp Genetics (formerly Invitae), Labcorp
Classification: Likely pathogenic for Spongy degeneration of central nervous system. Last evaluated: 2023-05-01. Review status: criteria provided, single submitter. Criteria: Invitae Variant Classification Sherloc (09022015). Collection method: clinical testing. Allele origin: germline.
Comment: In summary, the currently available evidence indicates that the variant is pathogenic, but additional data are needed to prove that conclusively. Therefore, this variant has been classified as Likely Pathogenic. This variant disrupts the p.Tyr288 amino acid residue in ASPA. Other variant(s) that disrupt this residue have been determined to be pathogenic (PMID: 16138249, 16217711). This suggests that this residue is clinically significant, and that variants that disrupt this residue are likely to be disease-causing. Advanced modeling of protein sequence and biophysical properties (such as structural, functional, and spatial information, amino acid conservation, physicochemical variation, residue mobility, and thermodynamic stability) performed at Invitae indicates that this missense variant is expected to disrupt ASPA protein function. This variant has not been reported in the literature in individuals affected with ASPA-related conditions. This variant is not present in population databases (gnomAD no frequency). This sequence change replaces tyrosine, which is neutral and polar, with histidine, which is basic and polar, at codon 288 of the ASPA protein (p.Tyr288His).

Literature cited by the submitters: PubMed 16138249; PubMed 16217711.

NM_000049.4(ASPA):c.862T>C (p.Tyr288His)

Genes: SPATA22 (spermatogenesis associated 22; minus strand), ASPA (aspartoacylase; plus strand). Cytogenetic location: 17p13.2.
Variant type: single nucleotide variant.
Coding change: c.862T>C on transcript NM_000049.4 (MANE Select); coding-DNA position 862, T replaced by C.
Protein change: p.Tyr288His; replaces tyrosine 288 with histidine.
Molecular consequence: missense variant. On other transcripts: intron variant (2).
Genome position (GRCh38, 1-based): chr17:3,499,008, T>C. VCF-style: chr17-3499008-T-C. GRCh37 (hg19) VCF-style: chr17-3402302-T-C.
Other names: c.862T>C, p.Tyr288His (NM_001128085.1); c.-74+14404A>G (NM_001321336.2, NM_001321337.2); short protein forms Y288H.
Identifiers: ClinVar variation 2861408 (VCV002861408.3), dbSNP rs2543658129, ClinGen allele CA397687739.